The following is an entry in ClinVar:

NM_001375567.1(FOCAD):c.3324A>C (p.Ile1108=)

Gene: FOCAD (focadhesin; plus strand). Cytogenetic location: 9p21.3.
Variant type: single nucleotide variant.
Coding change: c.3324A>C on transcript NM_001375567.1 (MANE Select); coding-DNA position 3324, A replaced by C.
Protein change: p.Ile1108=; no amino-acid change (isoleucine 1108 retained).
Molecular consequence: synonymous variant.
Genome position (GRCh38, 1-based): chr9:20,933,020, A>C. VCF-style: chr9-20933020-A-C. GRCh37 (hg19) VCF-style: chr9-20933019-A-C.
Other names: c.3219A>C, p.Ile1073= (NM_001375568.1, NM_001375570.1); c.3324A>C, p.Ile1108= (NM_017794.5).
Identifiers: ClinVar variation 712483 (VCV000712483.8), dbSNP rs111967925, ClinGen allele CA5007509.

ClinVar aggregate classification (germline): Benign. Review status: criteria provided, multiple submitters, no conflicts (2 of 4 stars). 3 submissions from 3 submitters: Benign (2). 1 of the submissions does not count toward it. Last evaluated 2025-10-19.

Conditions:
FOCAD-related disorder. Also called: FOCAD-related condition.

Allele frequency attached by ClinVar (database versions not stated): gnomAD exomes 0.00026; ExAC 0.00036; ESP Exome Variant Server 0.00100; 1000 Genomes Project 30x 0.00109; 1000 Genomes Project 0.00120; gnomAD 0.00127 and 0.00137; TOPMed 0.00144.
gnomAD v4.1: 382 of 1,613,062 alleles (0.024%); highest among the groups gnomAD compares: African/African-American, 0.43%; 1 homozygote.

Submissions (3):

Labcorp Genetics (formerly Invitae), Labcorp
Classification: Benign. Last evaluated: 2025-10-19. Review status: criteria provided, single submitter. Criteria: Invitae Variant Classification Sherloc (09022015). Collection method: clinical testing. Allele origin: germline.

Breakthrough Genomics
Classification: Benign. Review status: criteria provided, single submitter. Criteria: ACMG Guidelines, 2015. Collection method: not provided. Allele origin: germline. Inheritance: Autosomal recessive inheritance. Affected: yes.

PreventionGenetics, part of Exact Sciences
Classification: Likely benign for FOCAD-related condition. Last evaluated: 2019-05-20. Review status: no assertion criteria provided. Collection method: clinical testing. Allele origin: germline. Not counted in ClinVar's aggregate classification.
Comment: This variant is classified as likely benign based on ACMG/AMP sequence variant interpretation guidelines (Richards et al. 2015 PMID: 25741868, with internal and published modifications).